The following is an entry in ClinVar:

ClinVar aggregate classification (germline): Uncertain significance (1 of 4 stars; one submission).

Conditions:
Intellectual developmental disorder, autosomal recessive 5. Also called: Intellectual disability, autosomal recessive 5. Identifiers: Orphanet 88616, MedGen C1970199, MONDO:0012613, OMIM 611091.

Submission:

Baylor Genetics
Classification: Uncertain significance for Intellectual developmental disorder, autosomal recessive 5. Last evaluated: 2018-06-28. Review status: criteria provided, single submitter. Criteria: ACMG Guidelines, 2015. Collection method: clinical testing. Allele origin: paternal. Affected: yes.
Comment: This variant was determined to be of uncertain significance according to ACMG Guidelines, 2015 [PMID:25741868].

NM_017755.6(NSUN2):c.2045G>A (p.Gly682Glu)

Gene: NSUN2 (NOP2/Sun RNA methyltransferase 2; minus strand). Cytogenetic location: 5p15.31.
Variant type: single nucleotide variant.
Coding change: c.2045G>A on transcript NM_017755.6 (MANE Select); coding-DNA position 2045, G replaced by A.
Protein change: p.Gly682Glu; replaces glycine 682 with glutamic acid.
Molecular consequence: missense variant. On other transcripts: non-coding transcript variant (1).
Genome position (GRCh38, 1-based): chr5:6,600,185, C>T on the plus strand (G>A on the coding strand, the complement: NSUN2 is on the minus strand). VCF-style: chr5-6600185-C-T. GRCh37 (hg19) VCF-style: chr5-6600298-C-T.
Other names: c.1940G>A, p.Gly647Glu (NM_001193455.2); short protein forms G647E, G682E.
Identifiers: ClinVar variation 1031997 (VCV001031997.1), dbSNP rs1736492714, ClinGen allele CA359129480.